The following is an entry in ClinVar:

ClinVar aggregate classification (germline): Likely benign. Review status: criteria provided, multiple submitters, no conflicts (2 of 4 stars). 2 submissions from 2 submitters: Likely benign (2). Last evaluated 2025-12-01.

Conditions:
Gorlin syndrome. Also called: Nevoid Basal Cell Carcinoma Syndrome; Basal cell nevus syndrome. Identifiers: Orphanet 377, MedGen C0004779, MONDO:0007187.
PTCH1-related disorder. Also called: PTCH1-related disorders; PTCH1-related condition.

Submissions (2):

PreventionGenetics, part of Exact Sciences
Classification: Likely benign for PTCH1-related condition. Last evaluated: 2025-12-01. Review status: criteria provided, single submitter. Criteria: ACMG Guidelines, 2015. Collection method: clinical testing. Allele origin: germline.
Comment: This variant is classified as likely benign based on ACMG/AMP sequence variant interpretation guidelines (Richards et al. 2015 PMID: 25741868, with internal and published modifications).

Labcorp Genetics (formerly Invitae), Labcorp
Classification: Likely benign for Gorlin syndrome. Last evaluated: 2023-09-01. Review status: criteria provided, single submitter. Criteria: Invitae Variant Classification Sherloc (09022015). Collection method: clinical testing. Allele origin: germline.

NM_000264.5(PTCH1):c.3307-8T>C

Gene: PTCH1 (patched 1; minus strand). Cytogenetic location: 9q22.32.
Variant type: single nucleotide variant.
Coding change: c.3307-8T>C on transcript NM_000264.5 (MANE Select); 8 bases into the intron before coding-DNA position 3307, T replaced by C.
Molecular consequence: intron variant.
Genome position (GRCh38, 1-based): chr9:95,453,628, A>G on the plus strand (T>C on the coding strand, the complement: PTCH1 is on the minus strand). VCF-style: chr9-95453628-A-G. GRCh37 (hg19) VCF-style: chr9-98215910-A-G.
Other names: c.3307-8T>C (NM_000264.3); c.3304-8T>C (NM_001083603.3); c.3109-8T>C (NM_001083602.3); c.3151-8T>C (NM_001354918.2); c.2854-8T>C (NM_001083605.3, NM_001083604.3, NM_001083606.3 and 1 more transcripts).
Identifiers: ClinVar variation 1985995 (VCV001985995.5), dbSNP rs2538041674, ClinGen allele CA2580081265.